The following is an entry in ClinVar:

ClinVar aggregate classification (germline): Benign. Review status: criteria provided, multiple submitters, no conflicts (2 of 4 stars). 4 submissions from 4 submitters: Benign (2). 2 of the submissions do not count toward it. Last evaluated 2018-01-13.

Conditions:
Collagen 6-related myopathy. Identifiers: MedGen CN117976, MONDO:0100225.

Allele frequency attached by ClinVar (database versions not stated): gnomAD exomes 0.85354; gnomAD 0.88126 and 0.88359; 1000 Genomes Project 0.88199; 1000 Genomes Project 30x 0.88413; TOPMed 0.88436.
gnomAD v4.1: 277,568 of 320,292 alleles (87%); highest among the groups gnomAD compares: African/African-American, 92%; 120,739 homozygotes.

Submissions (4):

Illumina Laboratory Services, Illumina
Classification: Benign for Collagen VI-related myopathy. Last evaluated: 2018-01-13. Review status: criteria provided, single submitter. Criteria: ICSL Variant Classification Criteria 13 December 2019. Collection method: clinical testing. Allele origin: germline.
Comment: This variant was observed in the ICSL laboratory as part of a predisposition screen in an ostensibly healthy population. It had not been previously curated by ICSL or reported in the Human Gene Mutation Database (HGMD: prior to June 1st, 2018), and was therefore a candidate for classification through an automated scoring system. Utilizing variant allele frequency, disease prevalence and penetrance estimates, and inheritance mode, an automated score was calculated to assess if this variant is too frequent to cause the disease. Based on the score and internal cut-off values, a variant classified as benign is not then subjected to further curation. The score for this variant resulted in a classification of benign for this disease.

Breakthrough Genomics
Classification: Benign. Review status: criteria provided, single submitter. Criteria: ACMG Guidelines, 2015. Collection method: not provided. Allele origin: germline. Inheritance: Autosomal recessive inheritance. Affected: yes.

Clinical Genetics, Academic Medical Center
Classification: Benign. Review status: no assertion criteria provided. Collection method: clinical testing. Allele origin: germline. Affected: yes. Study: VKGL Data-share Consensus. Not counted in ClinVar's aggregate classification.

Genome Diagnostics Laboratory, University Medical Center Utrecht
Classification: Benign. Review status: no assertion criteria provided. Collection method: clinical testing. Allele origin: germline. Affected: yes. Study: VKGL Data-share Consensus. Not counted in ClinVar's aggregate classification.

NM_001848.3(COL6A1):c.*419A>G

Gene: COL6A1 (collagen type VI alpha 1 chain; plus strand). Cytogenetic location: 21q22.3.
Variant type: single nucleotide variant.
Coding change: c.*419A>G on transcript NM_001848.3 (MANE Select); 419 bases downstream of the stop codon, A replaced by G.
Molecular consequence: 3 prime UTR variant.
Genome position (GRCh38, 1-based): chr21:46,004,432, A>G. VCF-style: chr21-46004432-A-G. GRCh37 (hg19) VCF-style: chr21-47424346-A-G.
Identifiers: ClinVar variation 340342 (VCV000340342.8), dbSNP rs9254, ClinGen allele CA10653078.